The following is an entry in ClinVar:

ClinVar aggregate classification (germline): Likely benign (1 of 4 stars; one submission).

gnomAD v4.1: 1 of 1,614,168 alleles (0.000062%); no homozygotes.

Submission:

CeGaT Center for Human Genetics Tuebingen
Classification: Likely benign. Last evaluated: 2023-03-01. Review status: criteria provided, single submitter. Criteria: CeGaT Center For Human Genetics Tuebingen Variant Classification Criteria Version 2. Collection method: clinical testing. Allele origin: germline. Affected: yes. Observed: 1 variant allele.
Comment: SRCAP: PM2:Supporting, BP4, BP7

NM_006662.3(SRCAP):c.6768A>C (p.Ala2256=)

Gene: SRCAP (Snf2 related CREBBP activator protein; plus strand). Cytogenetic location: 16p11.2.
Variant type: single nucleotide variant.
Coding change: c.6768A>C on transcript NM_006662.3 (MANE Select); coding-DNA position 6768, A replaced by C.
Protein change: p.Ala2256=; no amino-acid change (alanine 2256 retained).
Molecular consequence: synonymous variant.
Genome position (GRCh38, 1-based): chr16:30,736,238, A>C. VCF-style: chr16-30736238-A-C. GRCh37 (hg19) VCF-style: chr16-30747559-A-C.
Identifiers: ClinVar variation 2646404 (VCV002646404.24), dbSNP rs1182981066, ClinGen allele CA494910242.
Genomic context (GRCh38, chr16:30,736,238, plus strand): 5'-TTTCTTTTATACACCCTGGTAGGCATTGTGTCGGGCAGAAGATGAAGAGGATATCCGTGC[A>C]GCCACCCAGGCCAAGGCTGAACAGGTGGCTGAGCTTGCAGAATTTAATGAGAACGATGGG-3'
Protein context (NP_006653.2, residues 2246-2266): CRAEDEEDIR[Ala2256=]ATQAKAEQVA